The following is an entry in ClinVar:

ClinVar aggregate classification (germline): Uncertain significance (1 of 4 stars; one submission).

Conditions:
MELAS syndrome (MELAS). Also called: Juvenile myopathy, encephalopathy, lactic acidosis, stroke. Identifiers: Orphanet 550, MedGen C0162671, MONDO:0010789, OMIM 540000.

Submission:

Wong Mito Lab, Molecular and Human Genetics, Baylor College of Medicine
Classification: Uncertain significance for MELAS syndrome. Last evaluated: 2019-07-12. Review status: criteria provided, single submitter. Criteria: Modified ACMG Guidelines (Unpublished). Collection method: clinical testing. Allele origin: germline.
Comment: The NC_012920.1:m.5865T>C variant in MT-TY gene is interpreted to be a Unknown Significance variant based on the modified ACMG guidelines (unpublished). This variant meets the following evidence codes reported in the guidelines: PP3, PP7

Literature cited by the submitters: PubMed 31965079.

NC_012920.1(MT-TY):m.5865T>C

Gene: MT-TY (mitochondrially encoded tRNA tyrosine; minus strand).
Variant type: single nucleotide variant.
Genome position: chrM-5865-T-C.
Identifiers: ClinVar variation 690020 (VCV000690020.1), dbSNP rs1603220159, ClinGen allele CA913180707.